The following is an entry in ClinVar:

ClinVar aggregate classification (germline): Uncertain significance (1 of 4 stars; one submission).

Conditions:
Lysinuric protein intolerance (LPI). Identifiers: Orphanet 470, MedGen C0268647, MONDO:0009109, OMIM 222700.

Allele frequency attached by ClinVar (database versions not stated): gnomAD 0.00001; TOPMed 0.00001; gnomAD exomes 0.00002.
gnomAD v4.1: 30 of 1,613,584 alleles (0.0019%); highest among the groups gnomAD compares: Non-Finnish European, 0.0025%; no homozygotes.

Submission:

Labcorp Genetics (formerly Invitae), Labcorp
Classification: Uncertain significance for Lysinuric protein intolerance. Last evaluated: 2022-02-04. Review status: criteria provided, single submitter. Criteria: Invitae Variant Classification Sherloc (09022015). Collection method: clinical testing. Allele origin: germline.
Comment: This sequence change replaces serine, which is neutral and polar, with glycine, which is neutral and non-polar, at codon 158 of the SLC7A7 protein (p.Ser158Gly). This variant is not present in population databases (gnomAD no frequency). This variant has not been reported in the literature in individuals affected with SLC7A7-related conditions. Algorithms developed to predict the effect of missense changes on protein structure and function output the following: SIFT: "Tolerated"; PolyPhen-2: "Benign"; Align-GVGD: "Class C0". The glycine amino acid residue is found in multiple mammalian species, which suggests that this missense change does not adversely affect protein function. In summary, the available evidence is currently insufficient to determine the role of this variant in disease. Therefore, it has been classified as a Variant of Uncertain Significance.

NM_003982.4(SLC7A7):c.472A>G (p.Ser158Gly)

Gene: SLC7A7 (solute carrier family 7 member 7; minus strand). Cytogenetic location: 14q11.2.
Variant type: single nucleotide variant.
Coding change: c.472A>G on transcript NM_003982.4 (MANE Select); coding-DNA position 472, A replaced by G.
Protein change: p.Ser158Gly; replaces serine 158 with glycine.
Molecular consequence: missense variant.
Genome position (GRCh38, 1-based): chr14:22,812,927, T>C on the plus strand (A>G on the coding strand, the complement: SLC7A7 is on the minus strand). VCF-style: chr14-22812927-T-C. GRCh37 (hg19) VCF-style: chr14-23282136-T-C.
Other names: c.472A>G, p.Ser158Gly (NM_001126105.3, NM_001126106.4); short protein forms S158G.
Identifiers: ClinVar variation 2149311 (VCV002149311.1), dbSNP rs1056363802, ClinGen allele CA257714650.
Genomic context (GRCh38, chr14:22,812,927, plus strand): 5'-CCACCCACCACCTCCTACCCCAGCCCCACTTACAAATGCAGGCAGCAGCCAGCAGGCGGC[T>C]GGCAGCATAAGGGGCGAAGCAGCTCGGGAAGAGAGGCTGTACCATGTAGTTGGCAAAGGT-3'
Protein context (NP_003973.3, residues 148-168): FPSCFAPYAA[Ser158Gly]RLLAAACICL